The following is an entry in ClinVar:

NM_006899.5(IDH3B):c.158T>C (p.Met53Thr)

Gene: IDH3B (isocitrate dehydrogenase (NAD(+)) 3 non-catalytic subunit beta; minus strand). Cytogenetic location: 20p13.
Variant type: single nucleotide variant.
Coding change: c.158T>C on transcript NM_006899.5 (MANE Select); coding-DNA position 158, T replaced by C.
Protein change: p.Met53Thr; replaces methionine 53 with threonine.
Molecular consequence: missense variant. On other transcripts: non-coding transcript variant (1).
Genome position (GRCh38, 1-based): chr20:2,663,718, A>G on the plus strand (T>C on the coding strand, the complement: IDH3B is on the minus strand). VCF-style: chr20-2663718-A-G. GRCh37 (hg19) VCF-style: chr20-2644364-A-G.
Other names: c.158T>C, p.Met53Thr (NM_001258384.3, NM_001330763.2, NM_174855.4); short protein forms M53T.
Identifiers: ClinVar variation 955586 (VCV000955586.8), dbSNP rs139768114, ClinGen allele CA9735373.

ClinVar aggregate classification (germline): Uncertain significance. Review status: criteria provided, multiple submitters, no conflicts (2 of 4 stars). 3 submissions from 3 submitters: Uncertain significance (3). Last evaluated 2024-06-03.

Allele frequency attached by ClinVar (database versions not stated): gnomAD 0.00006 and 0.00007; gnomAD exomes 0.00006 and 0.00021; ExAC 0.00007; TOPMed 0.00009; ESP Exome Variant Server 0.00031.
gnomAD v4.1: 310 of 1,614,044 alleles (0.019%); highest among the groups gnomAD compares: Non-Finnish European, 0.026%; 1 homozygote.

Submissions (3):

Blueprint Genetics
Classification: Uncertain significance. Last evaluated: 2024-06-03. Review status: criteria provided, single submitter. Criteria: ACMG Guidelines, 2015. Collection method: clinical testing. Allele origin: germline.

Labcorp Genetics (formerly Invitae), Labcorp
Classification: Uncertain significance. Last evaluated: 2022-09-07. Review status: criteria provided, single submitter. Criteria: Invitae Variant Classification Sherloc (09022015). Collection method: clinical testing. Allele origin: germline.
Comment: This sequence change replaces methionine, which is neutral and non-polar, with threonine, which is neutral and polar, at codon 53 of the IDH3B protein (p.Met53Thr). This variant is present in population databases (rs139768114, gnomAD 0.01%). This variant has not been reported in the literature in individuals affected with IDH3B-related conditions. ClinVar contains an entry for this variant (Variation ID: 955586). Algorithms developed to predict the effect of missense changes on protein structure and function are either unavailable or do not agree on the potential impact of this missense change (SIFT: "Not Available"; PolyPhen-2: "Possibly Damaging"; Align-GVGD: "Not Available"). In summary, the available evidence is currently insufficient to determine the role of this variant in disease. Therefore, it has been classified as a Variant of Uncertain Significance.

Breakthrough Genomics
Classification: Uncertain significance. Review status: criteria provided, single submitter. Criteria: ACMG Guidelines, 2015. Collection method: not provided. Allele origin: germline. Inheritance: Autosomal dominant inheritance. Affected: yes.